The following is an entry in ClinVar:

NM_006767.4(LZTR1):c.2504A>T (p.Glu835Val)

Gene: LZTR1 (leucine zipper like post translational regulator 1; plus strand). Cytogenetic location: 22q11.21.
Variant type: single nucleotide variant.
Coding change: c.2504A>T on transcript NM_006767.4 (MANE Select); coding-DNA position 2504, A replaced by T.
Protein change: p.Glu835Val; replaces glutamic acid 835 with valine.
Molecular consequence: missense variant.
Genome position (GRCh38, 1-based): chr22:20,997,329, A>T. VCF-style: chr22-20997329-A-T. GRCh37 (hg19) VCF-style: chr22-21351618-A-T.
Other names: short protein forms E835V.
Identifiers: ClinVar variation 3541694 (VCV003541694.1).

ClinVar aggregate classification (germline): Uncertain significance (1 of 4 stars; one submission).

Conditions:
Hereditary cancer-predisposing syndrome. Also called: Hereditary Cancer Syndrome; Hereditary neoplastic syndrome; Tumor predisposition; Neoplastic Syndromes, Hereditary. Identifiers: Orphanet 140162, MedGen C0027672, MeSH D009386, MONDO:0015356.
Cardiovascular phenotype. Identifiers: MedGen CN230736.

Submission:

Ambry Genetics
Classification: Uncertain significance for Cardiovascular phenotype; Hereditary cancer-predisposing syndrome. Last evaluated: 2024-11-08. Review status: criteria provided, single submitter. Criteria: Ambry Variant Classification Scheme 2023. Collection method: clinical testing. Allele origin: germline.
Comment: The p.E835V variant (also known as c.2504A>T), located in coding exon 21 of the LZTR1 gene, results from an A to T substitution at nucleotide position 2504. The glutamic acid at codon 835 is replaced by valine, an amino acid with dissimilar properties. This amino acid position is conserved. In addition, the in silico prediction for this alteration is inconclusive. Based on the available evidence, the clinical significance of this variant remains unclear.